The following continues an entry in ClinVar:

NM_007294.4(BRCA1):c.189A>T (p.Leu63Phe)

Gene: BRCA1. ClinVar aggregate classification (germline): Conflicting classifications of pathogenicity. Uncertain significance (8); Benign (1); Likely benign (2).

Submissions 7 to 13 of 13:

Color Diagnostics, LLC DBA Color Health
Classification: Uncertain significance for Hereditary cancer-predisposing syndrome. Last evaluated: 2023-09-21. Review status: criteria provided, single submitter. Criteria: ACMG Guidelines, 2015. Collection method: clinical testing. Allele origin: germline.
Comment: This missense variant replaces leucine with phenylalanine at codon 63 of the BRCA1 protein. Computational prediction is inconclusive regarding the impact of this variant on protein structure and function (internally defined REVEL score threshold 0.5 < inconclusive < 0.7, PMID: 27666373). Multiple functional studies have reported that the variant protein has reduced E3 ligase activity in vitro (PMID: 12732733, 16403807, 25823446). However, this variant also was reported to be functional in a haploid cell proliferation assay and a mammalian two-hybrid assay for BARD1 binding (PMID: 30209399, 35659930). This variant has been observed in individual affected with breast and/or ovarian cancer (PMID: 10923033, 11573085) and an individual affected with childhood onset leukemia (PMID: 26580448). This variant has been identified in 1/250784 chromosomes in the general population by the Genome Aggregation Database (gnomAD). The available evidence is insufficient to determine the role of this variant in disease conclusively. Therefore, this variant is classified as a Variant of Uncertain Significance.

Women's Health and Genetics/Laboratory Corporation of America, LabCorp
Classification: Uncertain significance. Last evaluated: 2023-08-18. Review status: criteria provided, single submitter. Criteria: LabCorp Variant Classification Summary - May 2015. Collection method: clinical testing. Allele origin: germline.
Comment: Variant summary: BRCA1 c.189A>T (p.Leu63Phe) results in a non-conservative amino acid change located in the Zing finger, RING-type domain (IPR001841) of the encoded protein sequence. Four of five in-silico tools predict a damaging effect of the variant on protein function. The variant allele was found at a frequency of 4e-06 in 250784 control chromosomes. The available data on variant occurrences in the general population are insufficient to allow any conclusion about variant significance. c.189A>T has been reported in the literature in one individual affected with Acute B Lymphoblastic Leukemia (B-ALL) in a sequencing study of pediatric cancer cohorts (Zhang_2015) . This report does not provide unequivocal conclusions about association of the variant with Hereditary Breast And Ovarian Cancer Syndrome. Several publications have reported conflicting/equivocal experimental evidence evaluating an impact on protein function. The variant was found to impact ubiquitin ligase activity (Brzovic_2003). Although L63F did not affect estrogen receptor-alpha binding, it disrupted the ability of BRCA1 to repress estrogen receptor-alpha activity (Ma_2005). However, the in vivo significance of this partial loss of BRCA1 function and its role in cancer has not been established. Furthermore, it has been reported that some variants with defects in E3 ubiquitin ligase activity are not compromised for the ability towards homology directed repair and tumor suppression. More recently, a large scale functional assay using saturation genome editing to evaluate missense variants in the RING domain of BRCA1 characterized this variant as having no damaging effect (Findlay_2018). The following publications have been ascertained in the context of this evaluation (PMID: 12732733, 16403807, 15674350, 21309043, 26580448, 30209399). Six clinical diagnostic laboratories have submitted clinical-significance assessments for this variant to ClinVar after 2014 and classified the variant as uncertain significance (n=5) and likely benign (n=1), some citing overlapping evidence utilized in the context of this evaluation. Based on the evidence outlined above, the variant was classified as uncertain significance.

Baylor Genetics
Classification: Uncertain significance for Breast-ovarian cancer, familial, susceptibility to, 1. Last evaluated: 2023-08-05. Review status: criteria provided, single submitter. Criteria: ACMG Guidelines, 2015. Collection method: clinical testing. Allele origin: unknown.

Ambry Genetics
Classification: Likely benign for Hereditary cancer-predisposing syndrome. Last evaluated: 2021-05-20. Review status: criteria provided, single submitter. Criteria: Ambry Variant Classification Scheme 2023. Collection method: clinical testing. Allele origin: germline.

Illumina Laboratory Services, Illumina
Classification: Uncertain significance for Breast-ovarian cancer, familial, susceptibility to, 1. Last evaluated: 2017-04-28. Review status: criteria provided, single submitter. Criteria: ICSL Variant Classification Criteria 13 December 2019. Collection method: clinical testing. Allele origin: germline.
Comment: This variant was observed as part of a predisposition screen in an ostensibly healthy population. A literature search was performed for the gene, cDNA change, and amino acid change (where applicable). Publications were found based on this search. However, the evidence from the literature, in combination with allele frequency data from public databases where available, was not sufficient to rule this variant in or out of causing disease. Therefore, this variant is classified as a variant of unknown significance.

Breast Cancer Information Core (BIC) (BRCA1)
Classification: Uncertain significance for Breast-ovarian cancer, familial 1. Last evaluated: 1999-12-30. Review status: no assertion criteria provided. Collection method: clinical testing. Allele origin: germline. Affected: yes. Observed: 1 variant allele. Not counted in ClinVar's aggregate classification.

Brotman Baty Institute, University of Washington
No classification provided (evidence only). Condition: Breast-ovarian cancer, familial 1. Review status: no classification provided. Collection method: in vitro. Allele origin: not applicable. Functional consequence: functionally_normal. Not counted in ClinVar's aggregate classification.
ClinVar note: "not provided" was previously submitted as the classification for the variant. However, the classification appeared to be based only on an observation of functional data so it was converted to no classification on 2025-07-30.

Literature cited by the submitters: PubMed 26580448 (cited by 5 submitters); PubMed 34326862 (cited by Labcorp Genetics (formerly Invitae), Labcorp and Quest Diagnostics Nichols Institute San Juan Capistrano); PubMed 30209399 (cited by 6 submitters); PubMed 12732733 (cited by 6 submitters); PubMed 16403807 (cited by 7 submitters); PubMed 25823446 (cited by 5 submitters); PubMed 39142283 (cited by Lupski Lab, Baylor-Hopkins CMG, Baylor College of Medicine); PubMed 34793697 (cited by Lupski Lab, Baylor-Hopkins CMG, Baylor College of Medicine); DOI 10.1101/2024.04.11.24305690 (cited by Lupski Lab, Baylor-Hopkins CMG, Baylor College of Medicine); PubMed 25085752 (cited by Myriad Genetics, Inc.); PubMed 10923033 (cited by All of Us Research Program, National Institutes of Health and Color Diagnostics, LLC DBA Color Health); PubMed 11573085 (cited by All of Us Research Program, National Institutes of Health and Color Diagnostics, LLC DBA Color Health); PubMed 35659930 (cited by All of Us Research Program, National Institutes of Health and Color Diagnostics, LLC DBA Color Health); PubMed 32123317 (cited by Quest Diagnostics Nichols Institute San Juan Capistrano); PubMed 34663891 (cited by Quest Diagnostics Nichols Institute San Juan Capistrano); PubMed 15674350 (cited by 4 submitters); PubMed 21309043 (cited by Women's Health and Genetics/Laboratory Corporation of America, LabCorp); PubMed 19088202 (cited by Ambry Genetics).